The following is an entry in ClinVar:

NM_001018005.2(TPM1):c.82G>T (p.Asp28Tyr)

Gene: TPM1 (tropomyosin 1; plus strand). Cytogenetic location: 15q22.2.
Variant type: single nucleotide variant.
Coding change: c.82G>T on transcript NM_001018005.2 (MANE Select); coding-DNA position 82, G replaced by T.
Protein change: p.Asp28Tyr; replaces aspartic acid 28 with tyrosine.
Molecular consequence: missense variant.
Genome position (GRCh38, 1-based): chr15:63,042,911, G>T. VCF-style: chr15-63042911-G-T. GRCh37 (hg19) VCF-style: chr15-63335110-G-T.
Other names: c.82G>T, p.Asp28Tyr (NM_000366.6, NM_001018004.2, NM_001018006.2 and 7 more transcripts); short protein forms D28Y.
Identifiers: ClinVar variation 1697987 (VCV001697987.7), dbSNP rs397516391, ClinGen allele CA019427.

ClinVar aggregate classification (germline): Uncertain significance. Review status: criteria provided, multiple submitters, no conflicts (2 of 4 stars). 2 submissions from 2 submitters: Uncertain significance (2). Last evaluated 2025-09-23.

Conditions:
Hypertrophic cardiomyopathy. Also called: HYPERTROPHIC MYOCARDIOPATHY. Identifiers: Orphanet 217569, MedGen C0007194, MeSH D002312, MONDO:0005045, HP:0001639.

Submissions (2):

Labcorp Genetics (formerly Invitae), Labcorp
Classification: Uncertain significance for Hypertrophic cardiomyopathy. Last evaluated: 2025-09-23. Review status: criteria provided, single submitter. Criteria: Invitae Variant Classification Sherloc (09022015). Collection method: clinical testing. Allele origin: germline.
Comment: This sequence change replaces aspartic acid, which is acidic and polar, with tyrosine, which is neutral and polar, at codon 28 of the TPM1 protein (p.Asp28Tyr). This variant is not present in population databases (gnomAD no frequency). This variant has not been reported in the literature in individuals affected with TPM1-related conditions. ClinVar contains an entry for this variant (Variation ID: 1697987). An algorithm developed to predict the effect of missense changes on protein structure and function (PolyPhen-2) suggests that this variant is likely to be disruptive. In summary, the available evidence is currently insufficient to determine the role of this variant in disease. Therefore, it has been classified as a Variant of Uncertain Significance.

GeneDx
Classification: Uncertain significance. Last evaluated: 2022-07-12. Review status: criteria provided, single submitter. Criteria: GeneDx Variant Classification Process June 2021. Collection method: clinical testing. Allele origin: germline. Affected: yes.
Comment: Not observed at significant frequency in large population cohorts (gnomAD); In silico analysis supports that this missense variant has a deleterious effect on protein structure/function; Has not been previously published as pathogenic or benign to our knowledge